The following is an entry in ClinVar:

ClinVar aggregate classification (germline): Pathogenic/Likely pathogenic. Review status: criteria provided, multiple submitters, no conflicts (2 of 4 stars). 2 submissions from 2 submitters: Pathogenic (1); Likely pathogenic (1). Last evaluated 2022-09-26.

Conditions:
EVC-related disorder. Also called: EVC-related condition; EVC-related disorders.
Ellis-van Creveld syndrome (EVC). Also called: Chondroectodermal dysplasia; MESOECTODERMAL DYSPLASIA. Identifiers: Orphanet 289, MedGen C0013903, MONDO:0009162, OMIM 225500.
Curry-Hall syndrome (WAD). Also called: WEYERS ACRODENTAL DYSOSTOSIS. Identifiers: Orphanet 952, MedGen C0457013, MONDO:0008673, OMIM 193530.

Allele frequency attached by ClinVar (database versions not stated): gnomAD exomes below 0.00001; TOPMed below 0.00001.
gnomAD v4.1: 2 of 1,614,226 alleles (0.00012%); highest among the groups gnomAD compares: African/African-American, 0.0027%; no homozygotes.

Submissions (2):

PreventionGenetics, part of Exact Sciences
Classification: Likely pathogenic for EVC-related condition. Last evaluated: 2022-09-26. Review status: criteria provided, single submitter. Criteria: ACMG Guidelines, 2015. Collection method: clinical testing. Allele origin: germline.
Comment: The EVC c.1168C>T variant is predicted to result in premature protein termination (p.Gln390*). To our knowledge, this variant has not been reported in the literature. This variant is reported in 0.0062% of alleles in individuals of African descent in gnomAD. Nonsense variants in EVC are expected to be pathogenic. This variant is interpreted as likely pathogenic.

Labcorp Genetics (formerly Invitae), Labcorp
Classification: Pathogenic for Curry-Hall syndrome; Ellis-van Creveld syndrome. Last evaluated: 2021-03-01. Review status: criteria provided, single submitter. Criteria: Invitae Variant Classification Sherloc (09022015). Collection method: clinical testing. Allele origin: germline.
Comment: This sequence change creates a premature translational stop signal (p.Gln390*) in the EVC gene. It is expected to result in an absent or disrupted protein product. Loss-of-function variants in EVC are known to be pathogenic (PMID: 23220543). This variant is not present in population databases (ExAC no frequency). This variant has not been reported in the literature in individuals with EVC-related conditions. For these reasons, this variant has been classified as Pathogenic.

Literature cited by the submitters: PubMed 23220543 (cited by Labcorp Genetics (formerly Invitae), Labcorp).

NM_153717.3(EVC):c.1168C>T (p.Gln390Ter)

Gene: EVC (EvC ciliary complex subunit 1; plus strand). Cytogenetic location: 4p16.2.
Variant type: single nucleotide variant.
Coding change: c.1168C>T on transcript NM_153717.3 (MANE Select); coding-DNA position 1168, C replaced by T.
Protein change: p.Gln390Ter; replaces glutamine 390 with a stop codon.
Molecular consequence: nonsense.
Genome position (GRCh38, 1-based): chr4:5,752,905, C>T. VCF-style: chr4-5752905-C-T. GRCh37 (hg19) VCF-style: chr4-5754632-C-T.
Other names: c.1168C>T, p.Gln390Ter (NM_001306090.2, NM_001306092.2); c.1168C>T (NM_153717.2); short protein forms Q390*.
Identifiers: ClinVar variation 1454318 (VCV001454318.7), dbSNP rs1560340266, ClinGen allele CA356153527.
Genomic context (GRCh38, chr4:5,752,905, plus strand): 5'-GAGAGGACGATGGGGCGGGCGCACATGGCAAAAGTGATTGAGTTTCTGAAGCTGCAAGTC[C>T]AGGAGGAGACCAGGTGCCGGCTGGCTGCCATCTCCCACGGCCTGGAGCTGCTGGCTGGTG-3'